The following is an entry in ClinVar:

ClinVar aggregate classification (germline): Pathogenic. Review status: reviewed by expert panel (3 of 4 stars). 7 submissions from 7 submitters: Pathogenic (1). 6 of the submissions do not count toward it. Last evaluated 2016-10-18.

Conditions:
Hereditary cancer-predisposing syndrome. Also called: Hereditary Cancer Syndrome; Hereditary neoplastic syndrome; Neoplastic Syndromes, Hereditary; Tumor predisposition. Identifiers: Orphanet 140162, MedGen C0027672, MeSH D009386, MONDO:0015356.
Breast-ovarian cancer, familial, susceptibility to, 1 (BROVCA1). Also called: BRCA1 Hereditary Breast and Ovarian Cancer; OVARIAN CANCER, SUSCEPTIBILITY TO. Identifiers: Orphanet 145, MedGen C2676676, MONDO:0011450, OMIM 604370. Disease mechanism: loss of function.
Fanconi anemia, complementation group S (FANCS). Identifiers: MedGen C4554406, MONDO:0054748, OMIM 617883.
Pancreatic cancer, susceptibility to, 4. Identifiers: Orphanet 1333, MedGen C3280442, MONDO:0013685, OMIM 614320.
Hereditary breast ovarian cancer syndrome. Also called: BRCA1- and BRCA2-Associated Hereditary Breast and Ovarian Cancer; Hereditary breast and ovarian cancer syndrome; Hereditary breast and ovarian cancer syndrome (HBOC); Breast and ovarian cancer; Hereditary breast and/or ovarian cancer syndrome; Hereditary breast and ovarian cancer. Identifiers: Orphanet 145, MedGen C0677776, MeSH D061325, MONDO:0003582. Disease mechanism: loss of function.

Submissions (7):

Evidence-based Network for the Interpretation of Germline Mutant Alleles (ENIGMA)
Classification: Pathogenic for Breast-ovarian cancer, familial, susceptibility to, 1. Last evaluated: 2016-10-18. Review status: reviewed by expert panel. Criteria: ENIGMA BRCA1/2 Classification Criteria (2015). Collection method: curation. Allele origin: germline.
Comment: Variant allele predicted to encode a truncated non-functional protein.

Ambry Genetics
Classification: Pathogenic for Hereditary cancer-predisposing syndrome. Last evaluated: 2024-12-13. Review status: criteria provided, single submitter. Criteria: Ambry Variant Classification Scheme 2023. Collection method: clinical testing. Allele origin: germline. Not counted in ClinVar's aggregate classification.
Comment: The c.4945_4947delAGAinsTTTT pathogenic mutation, located in coding exon 14 of the BRCA1 gene, results from the deletion of 3 nucleotides and insertion of 4 nucleotides at positions c.4945 to c.4947, causing a translational frameshift with a predicted alternate stop codon (p.R1649Ffs*30). This alteration has been detected in multiple individuals diagnosed with breast and/or ovarian cancer (Bonadona V et al. Genes Chromosomes Cancer. 2005 Aug;43:404-13; Caux-Moncoutier V et al. Hum. Mutat. 2011 Mar;32:325-34; Donenberg T et al. Breast Cancer Res. Treat. 2016 Aug;159:131-8; Donenberg T et al. Breast Cancer Res Treat 2019 Apr;174(2):469-477). Of note, this mutation is also designated as 5064delAGA/insT4-ter1678 in published literature. In addition to the clinical data presented in the literature, this alteration is expected to result in loss of function by premature protein truncation or nonsense-mediated mRNA decay. As such, this alteration is interpreted as a disease-causing mutation.

Fulgent Genetics
Classification: Pathogenic for Breast-ovarian cancer, familial, susceptibility to, 1; Pancreatic cancer, susceptibility to, 4; Fanconi anemia, complementation group S. Last evaluated: 2024-06-17. Review status: criteria provided, single submitter. Criteria: ACMG Guidelines, 2015. Collection method: clinical testing. Allele origin: germline. Not counted in ClinVar's aggregate classification.

GeneDx
Classification: Pathogenic. Last evaluated: 2024-03-14. Review status: criteria provided, single submitter. Criteria: GeneDx Variant Classification Process June 2021. Collection method: clinical testing. Allele origin: germline. Affected: yes. Not counted in ClinVar's aggregate classification.
Comment: Frameshift variant predicted to result in protein truncation or nonsense mediated decay in a gene for which loss of function is a known mechanism of disease; Not observed at significant frequency in large population cohorts (gnomAD); Truncating variants in this gene are considered pathogenic by a well-established clinical consortium and/or database; Also known as 5064_5066delinsTTTT; This variant is associated with the following publications: (PMID: 15887246, 33646313)

Baylor Genetics
Classification: Pathogenic for Breast-ovarian cancer, familial, susceptibility to, 1. Last evaluated: 2022-09-02. Review status: criteria provided, single submitter. Criteria: ACMG Guidelines, 2015. Collection method: clinical testing. Allele origin: unknown. Not counted in ClinVar's aggregate classification.

Labcorp Genetics (formerly Invitae), Labcorp
Classification: Pathogenic for Hereditary breast ovarian cancer syndrome. Last evaluated: 2021-09-10. Review status: criteria provided, single submitter. Criteria: Invitae Variant Classification Sherloc (09022015). Collection method: clinical testing. Allele origin: germline. Not counted in ClinVar's aggregate classification.

Consortium of Investigators of Modifiers of BRCA1/2 (CIMBA), c/o University of Cambridge
Classification: Pathogenic for Breast-ovarian cancer, familial, susceptibility to, 1. Last evaluated: 2015-10-02. Review status: criteria provided, single submitter. Criteria: CIMBA Mutation Classification guidelines May 2016. Collection method: clinical testing. Allele origin: germline. Not counted in ClinVar's aggregate classification.

NM_007294.4(BRCA1):c.4945_4947delinsTTTT (p.Arg1649fs)

Gene: BRCA1 (BRCA1 DNA repair associated; minus strand). Cytogenetic location: 17q21.31.
Variant type: Indel.
Coding change: c.4945_4947delinsTTTT on transcript NM_007294.4 (MANE Select); coding-DNA positions 4945 to 4947, AGA replaced by TTTT.
Protein change: p.Arg1649fs; shifts the reading frame from arginine 1649.
Molecular consequence: frameshift variant. On other transcripts: non-coding transcript variant (1).
Genome position (GRCh38, 1-based): chr17:43,070,967-43,070,969, TCT replaced by AAAA on the plus strand (AGA replaced by TTTT on the coding strand, the reverse complement: BRCA1 is on the minus strand). VCF-style: chr17-43070967-TCT-AAAA. GRCh37 (hg19) VCF-style: chr17-41222984-TCT-AAAA.
Other names: 5064del/ins-ter1678 (and 5064delAGA/insT4-ter1678); c.4798_4800delAGAinsTTTT, p.Arg1600Phefs (NM_001407847.1, NM_001407848.1, NM_001407849.1 and 12 more transcripts); c.4945_4947delAGAinsTTTT, p.Arg1649Phefs (NM_001407854.1, NM_001407593.1, NM_001407594.1 and 8 more transcripts); c.4942_4944delAGAinsTTTT, p.Arg1648Phefs (NM_001407858.1, NM_001407859.1, NM_001407860.1 and 17 more transcripts); c.4939_4941delAGAinsTTTT, p.Arg1647Phefs (NM_001407861.1, NM_001407627.1, NM_001407628.1 and 14 more transcripts); c.4744_4746delAGAinsTTTT, p.Arg1582Phefs (NM_001407862.1); c.4819_4821delAGAinsTTTT, p.Arg1607Phefs (NM_001407863.1, NM_001407939.1, NM_001407940.1 and 11 more transcripts); c.4738_4740delAGAinsTTTT, p.Arg1580Phefs (NM_001407874.1, NM_001407875.1); and 74 more; short protein forms R1602fs, R1670fs, R1649fs, R545fs.
Identifiers: ClinVar variation 55327 (VCV000055327.21), dbSNP rs397509207, ClinGen allele CA003097.